The following is an entry in ClinVar:

ClinVar aggregate classification (germline): Uncertain significance. Review status: criteria provided, multiple submitters, no conflicts (2 of 4 stars). 3 submissions from 3 submitters: Uncertain significance (3). Last evaluated 2026-01-03.

Conditions:
Inborn genetic diseases. Identifiers: MedGen C0950123, MeSH D030342.

Allele frequency attached by ClinVar (database versions not stated): gnomAD exomes below 0.00001.

Submissions (3):

Ambry Genetics
Classification: Uncertain significance for Inborn genetic diseases. Last evaluated: 2026-01-03. Review status: criteria provided, single submitter. Criteria: Ambry Variant Classification Scheme 2023. Collection method: clinical testing. Allele origin: germline.
Comment: The p.L26P variant (also known as c.77T>C), located in coding exon 2 of the ELANE gene, results from a T to C substitution at nucleotide position 77. The leucine at codon 26 is replaced by proline, an amino acid with similar properties. This amino acid position is conserved. In addition, the in silico prediction for this alteration is inconclusive. Based on the available evidence, the clinical significance of this variant remains unclear.

Blueprint Genetics
Classification: Uncertain significance. Last evaluated: 2021-07-16. Review status: criteria provided, single submitter. Criteria: ACMG Guidelines, 2015. Collection method: clinical testing. Allele origin: germline.

GeneDx
Classification: Uncertain significance. Last evaluated: 2013-09-18. Review status: criteria provided, single submitter. Criteria: GeneDx Variant Classification (06012015). Collection method: clinical testing. Allele origin: germline. Affected: yes.
Comment: To our knowledge, the L26P variant has neither been published as a mutation, nor reported as a benign polymorphism. This variant was not observed in approximately 6,000 individuals of European and African American ancestry in the NHLBI Exome Sequencing Project, indicating it is not a common benign variant in these populations. Although Leucine and Proline are both non-polar amino acids, L26P represents a non-conservative amino acid substitution as Proline residues contain a unique ring structure. This substitution is located in the 29-amino acid signal peptide region that is removed from the mature, processed ELANE protein. This region is not highly conserved among species; however, evolutionary data in this region is limited. To our knowledge, there are no documented missense mutations in the signal peptide region among patients with cyclic or severe congenital neutropenia other than mutations of the initiator M1 position. However, M1 mutations are not comparable to the L26P variant since M1 mutations are thought to act by forcing the use of an alternate initiation site, which would result in the production of an abnormal protein product.

NM_001972.4(ELANE):c.77T>C (p.Leu26Pro)

Gene: ELANE (elastase, neutrophil expressed; plus strand). Cytogenetic location: 19p13.3.
Variant type: single nucleotide variant.
Coding change: c.77T>C on transcript NM_001972.4 (MANE Select); coding-DNA position 77, T replaced by C.
Protein change: p.Leu26Pro; replaces leucine 26 with proline.
Molecular consequence: missense variant.
Genome position (GRCh38, 1-based): chr19:852,885, T>C. VCF-style: chr19-852885-T-C. GRCh37 (hg19) VCF-style: chr19-852885-T-C.
Other names: c.77T>C (LRG_57t1); short protein forms L26P.
Identifiers: ClinVar variation 242277 (VCV000242277.4), dbSNP rs878855314, ClinGen allele CA10583959.
Genomic context (GRCh38, chr19:852,885, plus strand): 5'-GGGACAGGCTCCTTGGCAGGCACTCAGCACCCGCACCCGGTGTGTCCCCAGGCACCGCGC[T>C]GGCCTCGGAGATTGTGGGGGGCCGGCGAGCGCGGCCCCACGCGTGGCCCTTCATGGTGTC-3'
Protein context (NP_001963.1, residues 16-36): LPALLLGGTA[Leu26Pro]ASEIVGGRRA